The following is an entry in ClinVar:

NM_000038.6(APC):c.4135del (p.Glu1379fs)

Gene: APC (APC regulator of Wnt signaling pathway; plus strand). Cytogenetic location: 5q22.2.
Variant type: Deletion.
Coding change: c.4135del on transcript NM_000038.6 (MANE Select); coding-DNA position 4135, one base deleted (G; older notation c.4135delG).
Protein change: p.Glu1379fs; shifts the reading frame from glutamic acid 1379.
Molecular consequence: frameshift variant.
Genome position (GRCh38, 1-based): chr5:112,839,729, G deleted; the last of 2 consecutive G bases (chr5:112,839,728-112,839,729); deleting either gives the same sequence. VCF-style (leftmost placement, unchanged base first): chr5-112839727-AG-A. GRCh37 (hg19) VCF-style: chr5-112175424-AG-A.
Other names: c.4135del, p.Glu1379fs (NM_001127510.3, NM_001354895.2); c.4081del, p.Glu1361fs (NM_001127511.3); c.4189del, p.Glu1397fs (NM_001354896.2); c.4165del, p.Glu1389fs (NM_001354897.2); c.4060del, p.Glu1354fs (NM_001354898.2); c.4051del, p.Glu1351fs (NM_001354899.2); c.4012del, p.Glu1338fs (NM_001354900.2); c.3958del, p.Glu1320fs (NM_001354901.2); and 16 more; short protein forms E1320fs, E1379fs, E1096fs, E1253fs, E1288fs, E1338fs, E1354fs, E1389fs.
Identifiers: ClinVar variation 1738113 (VCV001738113.2), dbSNP rs2533551144, ClinGen allele CA445964142.

ClinVar aggregate classification (germline): Pathogenic (1 of 4 stars; one submission).

Conditions:
Hereditary cancer-predisposing syndrome. Also called: Neoplastic Syndromes, Hereditary; Tumor predisposition; Hereditary Cancer Syndrome; Hereditary neoplastic syndrome. Identifiers: Orphanet 140162, MedGen C0027672, MeSH D009386, MONDO:0015356.

Submission:

Ambry Genetics
Classification: Pathogenic for Hereditary cancer-predisposing syndrome. Last evaluated: 2021-11-30. Review status: criteria provided, single submitter. Criteria: Ambry Variant Classification Scheme 2023. Collection method: clinical testing. Allele origin: germline.
Comment: The c.4135delG pathogenic mutation, located in coding exon 15 of the APC gene, results from a deletion of one nucleotide at nucleotide position 4135, causing a translational frameshift with a predicted alternate stop codon (p.E1379Rfs*36). This alteration is expected to result in loss of function by premature protein truncation. As such, this alteration is interpreted as a disease-causing mutation.